The following is an entry in ClinVar:

ClinVar aggregate classification (germline): Benign/Likely benign. Review status: criteria provided, multiple submitters, no conflicts (2 of 4 stars). 8 submissions from 8 submitters: Benign (3); Likely benign (4). 1 of the submissions does not count toward it. Last evaluated 2026-02-01.

Conditions:
Ectodermal dysplasia and immunodeficiency 2. Identifiers: Orphanet 238468, Orphanet 98813, MedGen C2677481, MONDO:0012806, OMIM 612132.
NFKBIA-related disorder. Also called: NFKBIA-related condition.

Allele frequency attached by ClinVar (database versions not stated): gnomAD exomes 0.00023; ExAC 0.00089; 1000 Genomes Project 0.00180; gnomAD 0.00265 and 0.00287; TOPMed 0.00325; ESP Exome Variant Server 0.00369.
gnomAD v4.1: 761 of 1,614,134 alleles (0.047%); highest among the groups gnomAD compares: African/African-American, 0.87%; 1 homozygote.

Submissions (8):

Labcorp Genetics (formerly Invitae), Labcorp
Classification: Benign for Ectodermal dysplasia and immunodeficiency 2. Last evaluated: 2026-02-01. Review status: criteria provided, single submitter. Criteria: Invitae Variant Classification Sherloc (09022015). Collection method: clinical testing. Allele origin: germline.

Blueprint Genetics
Classification: Likely benign. Last evaluated: 2024-10-18. Review status: criteria provided, single submitter. Criteria: ACMG Guidelines, 2015. Collection method: clinical testing. Allele origin: germline.

CeGaT Center for Human Genetics Tuebingen
Classification: Benign. Last evaluated: 2022-06-01. Review status: criteria provided, single submitter. Criteria: CeGaT Center For Human Genetics Tuebingen Variant Classification Criteria Version 2. Collection method: clinical testing. Allele origin: germline. Affected: yes. Observed: 1 variant allele.
Comment: NFKBIA: BS1, BS2

Illumina Laboratory Services, Illumina
Classification: Benign for Ectodermal dysplasia and immunodeficiency 2. Last evaluated: 2018-01-12. Review status: criteria provided, single submitter. Criteria: ICSL Variant Classification Criteria 13 December 2019. Collection method: clinical testing. Allele origin: germline.
Comment: This variant was observed in the ICSL laboratory as part of a predisposition screen in an ostensibly healthy population. It had not been previously curated by ICSL or reported in the Human Gene Mutation Database (HGMD: prior to June 1st, 2018), and was therefore a candidate for classification through an automated scoring system. Utilizing variant allele frequency, disease prevalence and penetrance estimates, and inheritance mode, an automated score was calculated to assess if this variant is too frequent to cause the disease. Based on the score and internal cut-off values, a variant classified as benign is not then subjected to further curation. The score for this variant resulted in a classification of benign for this disease.

ARUP Laboratories, Molecular Genetics and Genomics, ARUP Laboratories
Classification: Likely benign. Last evaluated: 2017-01-24. Review status: criteria provided, single submitter. Criteria: ARUP Molecular Germline Variant Investigation Process. Collection method: clinical testing. Allele origin: germline.

GeneDx
Classification: Likely benign. Last evaluated: 2016-12-23. Review status: criteria provided, single submitter. Criteria: GeneDx Variant Classification (06012015). Collection method: clinical testing. Allele origin: germline. Affected: yes.
Comment: This variant is considered likely benign or benign based on one or more of the following criteria: it is a conservative change, it occurs at a poorly conserved position in the protein, it is predicted to be benign by multiple in silico algorithms, and/or has population frequency not consistent with disease.

Breakthrough Genomics
Classification: Likely benign. Review status: criteria provided, single submitter. Criteria: ACMG Guidelines, 2015. Collection method: not provided. Allele origin: germline. Inheritance: Autosomal dominant inheritance. Affected: yes.

PreventionGenetics, part of Exact Sciences
Classification: Benign for NFKBIA-related condition. Last evaluated: 2019-07-08. Review status: no assertion criteria provided. Collection method: clinical testing. Allele origin: germline. Not counted in ClinVar's aggregate classification.
Comment: This variant is classified as benign based on ACMG/AMP sequence variant interpretation guidelines (Richards et al. 2015 PMID: 25741868, with internal and published modifications).

NM_020529.3(NFKBIA):c.581G>C (p.Gly194Ala)

Gene: NFKBIA (NFKB inhibitor alpha; minus strand). Cytogenetic location: 14q13.2.
Variant type: single nucleotide variant.
Coding change: c.581G>C on transcript NM_020529.3 (MANE Select); coding-DNA position 581, G replaced by C.
Protein change: p.Gly194Ala; replaces glycine 194 with alanine.
Molecular consequence: missense variant.
Genome position (GRCh38, 1-based): chr14:35,402,826, C>G on the plus strand (G>C on the coding strand, the complement: NFKBIA is on the minus strand). VCF-style: chr14-35402826-C-G. GRCh37 (hg19) VCF-style: chr14-35872032-C-G.
Other names: short protein forms G194A.
Identifiers: ClinVar variation 313110 (VCV000313110.49), dbSNP rs148656104, ClinGen allele CA7155412.
Genomic context (GRCh38, chr14:35,402,826, plus strand): 5'-CCAACCTGAGCATTGACATCAGCACCCAAGGACACCAAAAGCTCCACGATGCCCAGGTAG[C>G]CATGGATAGAGGCTAAGTGTAGACACGTGTGGCCTGGAAGAACAAAAGGAAAAAAGTATA-3'
Protein context (NP_065390.1, residues 184-204): HTCLHLASIH[Gly194Ala]YLGIVELLVS